The following is an entry in ClinVar:

ClinVar aggregate classification (germline): Likely pathogenic (1 of 4 stars; one submission).

Conditions:
LAMA2-related muscular dystrophy (LAMA2-RD). Also called: Laminin alpha 2-related dystrophy. Identifiers: MedGen C5679788, MONDO:0100228.

Submission:

Myriad Genetics, Inc.
Classification: Likely pathogenic for LAMA2-related muscular dystrophy. Last evaluated: 2022-02-07. Review status: criteria provided, single submitter. Criteria: Myriad Autosomal Dominant, Autosomal Recessive and X-Linked Classification Criteria (2023). Collection method: clinical testing. Allele origin: unknown.
Comment: NM_000426.3(LAMA2):c.5184delG(R1729Gfs*5) is expected to be pathogenic in the context of muscular dystrophy, LAMA2-related. This variant is predicted to lead to an abnormal or absent protein product due to the creation of a premature termination codon in LAMA2, a gene where loss-of-function variants are known to be pathogenic. Please note: this variant was assessed in the context of healthy population screening.

NM_000426.4(LAMA2):c.5184del (p.Arg1729fs)

Gene: LAMA2 (laminin subunit alpha 2; plus strand). Cytogenetic location: 6q22.33.
Variant type: Deletion.
Coding change: c.5184del on transcript NM_000426.4 (MANE Select); coding-DNA position 5184, one base deleted (G; older notation c.5184delG).
Protein change: p.Arg1729fs; shifts the reading frame from arginine 1729.
Molecular consequence: frameshift variant.
Genome position (GRCh38, 1-based): chr6:129,391,603, G deleted. VCF-style (leftmost placement, unchanged base first): chr6-129391602-TG-T. GRCh37 (hg19) VCF-style: chr6-129712747-TG-T.
Other names: c.5184del, p.Arg1729fs (NM_001079823.2); short protein forms R1729fs.
Identifiers: ClinVar variation 1724346 (VCV001724346.3), dbSNP rs2482729637, ClinGen allele CA2580075140.